The following is an entry in ClinVar:

NM_012414.4(RAB3GAP2):c.2371A>G (p.Ile791Val)

Gene: RAB3GAP2 (RAB3 GTPase activating non-catalytic protein subunit 2; minus strand). Cytogenetic location: 1q41.
Variant type: single nucleotide variant.
Coding change: c.2371A>G on transcript NM_012414.4 (MANE Select); coding-DNA position 2371, A replaced by G.
Protein change: p.Ile791Val; replaces isoleucine 791 with valine.
Molecular consequence: missense variant.
Genome position (GRCh38, 1-based): chr1:220,172,682, T>C on the plus strand (A>G on the coding strand, the complement: RAB3GAP2 is on the minus strand). VCF-style: chr1-220172682-T-C. GRCh37 (hg19) VCF-style: chr1-220346024-T-C.
Other names: short protein forms I791V.
Identifiers: ClinVar variation 1936935 (VCV001936935.5), dbSNP rs765407545, ClinGen allele CA1402444.

ClinVar aggregate classification (germline): Uncertain significance (1 of 4 stars; one submission).

Conditions:
Warburg micro syndrome 2 (WARBM2). Also called: MICRO SYNDROME 2. Identifiers: Orphanet 2510, MedGen C3280214, MONDO:0013641, OMIM 614225.
Martsolf syndrome (MARTS). Also called: Congenital cataract with intellectual disability and hypogonadotropic hypogonadism syndrome. Identifiers: Orphanet 1387, MedGen C0796037, MONDO:0023910.

Allele frequency attached by ClinVar (database versions not stated): ExAC 0.00001; gnomAD exomes 0.00001; TOPMed 0.00002; gnomAD 0.00004.
gnomAD v4.1: 24 of 1,613,304 alleles (0.0015%); highest among the groups gnomAD compares: East Asian, 0.0067%; no homozygotes.

Submission:

Labcorp Genetics (formerly Invitae), Labcorp
Classification: Uncertain significance for Martsolf syndrome; Warburg micro syndrome 2. Last evaluated: 2022-08-20. Review status: criteria provided, single submitter. Criteria: Invitae Variant Classification Sherloc (09022015). Collection method: clinical testing. Allele origin: germline.
Comment: This variant has not been reported in the literature in individuals affected with RAB3GAP2-related conditions. This variant is present in population databases (rs765407545, gnomAD 0.01%). This sequence change replaces isoleucine, which is neutral and non-polar, with valine, which is neutral and non-polar, at codon 791 of the RAB3GAP2 protein (p.Ile791Val). Algorithms developed to predict the effect of missense changes on protein structure and function output the following: SIFT: "Tolerated"; PolyPhen-2: "Benign"; Align-GVGD: "Class C0". The valine amino acid residue is found in multiple mammalian species, which suggests that this missense change does not adversely affect protein function. In summary, the available evidence is currently insufficient to determine the role of this variant in disease. Therefore, it has been classified as a Variant of Uncertain Significance.